The following is an entry in ClinVar:

NM_000574.5(CD55):c.1123G>A (p.Val375Ile)

Gene: CD55 (CD55 molecule (Cromer blood group); plus strand). Cytogenetic location: 1q32.2.
Variant type: single nucleotide variant.
Coding change: c.1123G>A on transcript NM_000574.5 (MANE Select); coding-DNA position 1123, G replaced by A.
Protein change: p.Val375Ile; replaces valine 375 with isoleucine.
Molecular consequence: missense variant. On other transcripts: 3 prime UTR variant (1), non-coding transcript variant (1).
Genome position (GRCh38, 1-based): chr1:207,359,587, G>A. VCF-style: chr1-207359587-G-A. GRCh37 (hg19) VCF-style: chr1-207532932-G-A.
Other names: c.1241G>A, p.Ser414Asn (NM_001114752.3); c.1238G>A, p.Ser413Asn (NM_001300903.2); c.*61G>A (NM_001300904.2); short protein forms S413N, S414N, V375I.
Identifiers: ClinVar variation 4697987 (VCV004697987.1).
Genomic context (GRCh38, chr1:207,359,587, plus strand): 5'-TTTTTTTTTTAATTTTCAGGGCACACGTGTTTCACGTTGACAGGTTTGCTTGGGACGCTA[G>A]TAACCATGGGCTTGCTGACTTAGCCAAAGAAGAGTTAAGAAGAAAATACACACAAGTATA-3'
Protein context (NP_000565.1, residues 365-381): FTLTGLLGTL[Val375Ile]TMGLLT

ClinVar aggregate classification (germline): Uncertain significance (1 of 4 stars; one submission).

Submission:

Labcorp Genetics (formerly Invitae), Labcorp
Classification: Uncertain significance. Last evaluated: 2025-04-24. Review status: criteria provided, single submitter. Criteria: Invitae Variant Classification Sherloc (09022015). Collection method: clinical testing. Allele origin: germline.
Comment: This sequence change replaces valine, which is neutral and non-polar, with isoleucine, which is neutral and non-polar, at codon 375 of the CD55 protein (p.Val375Ile). This variant is not present in population databases (gnomAD no frequency). This variant has not been reported in the literature in individuals affected with CD55-related conditions. Experimental studies and prediction algorithms are not available or were not evaluated, and the functional significance of this variant is currently unknown. In summary, the available evidence is currently insufficient to determine the role of this variant in disease. Therefore, it has been classified as a Variant of Uncertain Significance.